The following is an entry in ClinVar:

ClinVar aggregate classification (germline): Uncertain significance. Review status: criteria provided, multiple submitters, no conflicts (2 of 4 stars). 3 submissions from 3 submitters: Uncertain significance (3). Last evaluated 2025-05-11.

Conditions:
Brachyolmia-amelogenesis imperfecta syndrome. Also called: PLATYSPONDYLY WITH AMELOGENESIS IMPERFECTA; Tooth agenesis, selective, 6; Dental anomalies and short stature. Identifiers: Orphanet 2899, MedGen C1832594, MONDO:0011018, OMIM 601216. Disease mechanism: loss of function.
LTBP3-related disorder. Also called: LTBP3-related condition.
Inborn genetic diseases. Identifiers: MedGen C0950123, MeSH D030342.

Allele frequency attached by ClinVar (database versions not stated): gnomAD 0.00001.
gnomAD v4.1: 17 of 1,428,114 alleles (0.0012%); highest among the groups gnomAD compares: Non-Finnish European, 0.0015%; no homozygotes.

Submissions (3):

Labcorp Genetics (formerly Invitae), Labcorp
Classification: Uncertain significance for Brachyolmia-amelogenesis imperfecta syndrome. Last evaluated: 2025-05-11. Review status: criteria provided, single submitter. Criteria: Invitae Variant Classification Sherloc (09022015). Collection method: clinical testing. Allele origin: germline.
Comment: This sequence change replaces glutamine, which is neutral and polar, with histidine, which is basic and polar, at codon 1300 of the LTBP3 protein (p.Gln1300His). This variant is present in population databases (no rsID available, gnomAD 0.006%). This variant has not been reported in the literature in individuals affected with LTBP3-related conditions. ClinVar contains an entry for this variant (Variation ID: 2182360). An algorithm developed to predict the effect of missense changes on protein structure and function (PolyPhen-2) suggests that this variant is likely to be disruptive. In summary, the available evidence is currently insufficient to determine the role of this variant in disease. Therefore, it has been classified as a Variant of Uncertain Significance.

Ambry Genetics
Classification: Uncertain significance for Inborn genetic diseases. Last evaluated: 2025-01-21. Review status: criteria provided, single submitter. Criteria: Ambry Variant Classification Scheme 2023. Collection method: clinical testing. Allele origin: germline.

PreventionGenetics, part of Exact Sciences
Classification: Uncertain significance for LTBP3-related condition. Last evaluated: 2023-05-10. Review status: criteria provided, single submitter. Criteria: ACMG Guidelines, 2015. Collection method: clinical testing. Allele origin: germline.
Comment: The LTBP3 c.3900G>C variant is predicted to result in the amino acid substitution p.Gln1300His. To our knowledge, this variant has not been reported in the literature. This variant is reported in 0.0063% of alleles in individuals of European (Non-Finnish) descent in gnomAD. At this time, the clinical significance of this variant is uncertain due to the absence of conclusive functional and genetic evidence.

NM_001130144.3(LTBP3):c.3900G>C (p.Gln1300His)

Gene: LTBP3 (latent transforming growth factor beta binding protein 3; minus strand). Cytogenetic location: 11q13.1.
Variant type: single nucleotide variant.
Coding change: c.3900G>C on transcript NM_001130144.3 (MANE Select); coding-DNA position 3900, G replaced by C.
Protein change: p.Gln1300His; replaces glutamine 1300 with histidine.
Molecular consequence: missense variant.
Genome position (GRCh38, 1-based): chr11:65,539,092, C>G on the plus strand (G>C on the coding strand, the complement: LTBP3 is on the minus strand). VCF-style: chr11-65539092-C-G. GRCh37 (hg19) VCF-style: chr11-65306563-C-G.
Other names: c.3408G>C, p.Gln1136His (NM_001164266.1); c.3759G>C, p.Gln1253His (NM_021070.4); c.3900G>C (NM_001130144.2); short protein forms Q1136H, Q1253H, Q1300H.
Identifiers: ClinVar variation 2182360 (VCV002182360.6), dbSNP rs1047991308, ClinGen allele CA224008116.